The following is an entry in ClinVar:

ClinVar aggregate classification (germline): Uncertain significance (1 of 4 stars; one submission).

Conditions:
Focal segmental glomerulosclerosis 5 (FSGS5). Identifiers: Orphanet 656, MedGen C2750475, MONDO:0013191, OMIM 613237.
Charcot-Marie-Tooth disease dominant intermediate E. Also called: CHARCOT-MARIE-TOOTH NEUROPATHY WITH FOCAL SEGMENTAL GLOMERULONEPHRITIS. Identifiers: Orphanet 93114, MedGen C4302667, MONDO:0013758, OMIM 614455.

Submission:

Labcorp Genetics (formerly Invitae), Labcorp
Classification: Uncertain significance for Charcot-Marie-Tooth disease dominant intermediate E; Focal segmental glomerulosclerosis 5. Last evaluated: 2017-07-04. Review status: criteria provided, single submitter. Criteria: Invitae Variant Classification Sherloc (09022015). Collection method: clinical testing. Allele origin: germline.
Comment: In summary, the available evidence is currently insufficient to determine the role of this variant in disease. Therefore, it has been classified as a Variant of Uncertain Significance. Algorithms developed to predict the effect of missense changes on protein structure and function do not agree on the potential impact of this missense change (SIFT: "Deleterious"; PolyPhen-2: "Possibly Damaging"; Align-GVGD: "Class C0"). This sequence change replaces arginine with glycine at codon 993 of the INF2 protein (p.Arg993Gly). The arginine residue is moderately conserved and there is a moderate physicochemical difference between arginine and glycine. This variant is not present in population databases (ExAC no frequency). This variant has not been reported in the literature in individuals with INF2-related disease.

NM_022489.4(INF2):c.2977C>G (p.Arg993Gly)

Gene: INF2 (inverted formin 2; plus strand). Cytogenetic location: 14q32.33.
Variant type: single nucleotide variant.
Coding change: c.2977C>G on transcript NM_022489.4 (MANE Select); coding-DNA position 2977, C replaced by G.
Protein change: p.Arg993Gly; replaces arginine 993 with glycine.
Molecular consequence: missense variant.
Genome position (GRCh38, 1-based): chr14:104,713,543, C>G. VCF-style: chr14-104713543-C-G. GRCh37 (hg19) VCF-style: chr14-105179880-C-G.
Other names: c.2977C>G, p.Arg993Gly (NM_001031714.4); short protein forms R993G.
Identifiers: ClinVar variation 472847 (VCV000472847.8), dbSNP rs935688609, ClinGen allele CA391223045.